The following is an entry in ClinVar:

ClinVar aggregate classification (germline): Conflicting classifications of pathogenicity. Review status: criteria provided, conflicting classifications (1 of 4 stars). 4 submissions from 4 submitters: Uncertain significance (3); Likely benign (1). Last evaluated 2026-01-11.

Conditions:
Inborn genetic diseases. Identifiers: MedGen C0950123, MeSH D030342.
Autosomal recessive spastic paraplegia type 78. Identifiers: Orphanet 513436, MedGen C5567893, MONDO:0014975, OMIM 617225.
Kufor-Rakeb syndrome (KRS). Also called: PARKINSON DISEASE 9, AUTOSOMAL RECESSIVE, JUVENILE-ONSET. Identifiers: Orphanet 306674, Orphanet 314632, MedGen C1847640, MONDO:0011706, OMIM 606693.

Allele frequency attached by ClinVar (database versions not stated): gnomAD exomes 0.00001 and 0.00006; TOPMed 0.00002; gnomAD 0.00005; ExAC 0.00009.
gnomAD v4.1: 34 of 1,613,802 alleles (0.0021%); highest among the groups gnomAD compares: East Asian, 0.033%; no homozygotes.

Submissions (4):

Labcorp Genetics (formerly Invitae), Labcorp
Classification: Likely benign for Kufor-Rakeb syndrome; Autosomal recessive spastic paraplegia type 78. Last evaluated: 2026-01-11. Review status: criteria provided, single submitter. Criteria: Invitae Variant Classification Sherloc (09022015). Collection method: clinical testing. Allele origin: germline.

Blueprint Genetics
Classification: Uncertain significance. Last evaluated: 2024-09-18. Review status: criteria provided, single submitter. Criteria: ACMG Guidelines, 2015. Collection method: clinical testing. Allele origin: germline.

Fulgent Genetics
Classification: Uncertain significance for Kufor-Rakeb syndrome; Autosomal recessive spastic paraplegia type 78. Last evaluated: 2021-12-04. Review status: criteria provided, single submitter. Criteria: ACMG Guidelines, 2015. Collection method: clinical testing. Allele origin: unknown.

Ambry Genetics
Classification: Uncertain significance for Inborn genetic diseases. Last evaluated: 2016-08-19. Review status: criteria provided, single submitter. Criteria: Ambry Variant Classification Scheme 2023. Collection method: clinical testing. Allele origin: germline.
Comment: The p.C401Y variant (also known as c.1202G>A), located in coding exon 13 of the ATP13A2 gene, results from a G to A substitution at nucleotide position 1202. The cysteine at codon 401 is replaced by tyrosine, an amino acid with highly dissimilar properties. This variant was not reported in population based cohorts in the following databases: Database of Single Nucleotide Polymorphisms (dbSNP), NHLBI Exome Sequencing Project (ESP), and 1000 Genomes Project. In the ESP, this variant was not observed in 6503 samples (13006 alleles) with coverage at this position. This amino acid position is not well conserved in available vertebrate species. In addition, the in silico prediction for this alteration is inconclusive. Since supporting evidence is limited at this time, the clinical significance of this variant remains unclear.

NM_022089.4(ATP13A2):c.1202G>A (p.Cys401Tyr)

Gene: ATP13A2 (ATPase cation transporting 13A2; minus strand). Cytogenetic location: 1p36.13.
Variant type: single nucleotide variant.
Coding change: c.1202G>A on transcript NM_022089.4 (MANE Select); coding-DNA position 1202, G replaced by A.
Protein change: p.Cys401Tyr; replaces cysteine 401 with tyrosine.
Molecular consequence: missense variant.
Genome position (GRCh38, 1-based): chr1:16,996,490, C>T on the plus strand (G>A on the coding strand, the complement: ATP13A2 is on the minus strand). VCF-style: chr1-16996490-C-T. GRCh37 (hg19) VCF-style: chr1-17322985-C-T.
Other names: c.1187G>A, p.Cys396Tyr (NM_001141973.3, NM_001141974.3); short protein forms C401Y, C396Y.
Identifiers: ClinVar variation 588172 (VCV000588172.12), dbSNP rs377186549, ClinGen allele CA637316.